The following is an entry in ClinVar:

ClinVar aggregate classification (germline): Likely benign. Review status: criteria provided, single submitter (1 of 4 stars). 2 submissions from 2 submitters: Likely benign (1). 1 of the submissions does not count toward it. Last evaluated 2025-11-01.

Conditions:
PRORP-related disorder. Also called: PRORP-related condition.

Allele frequency attached by ClinVar (database versions not stated): TOPMed 0.00130; gnomAD 0.00134; ESP Exome Variant Server 0.00185; gnomAD exomes 0.00185; ExAC 0.00204; 1000 Genomes Project 0.00220; 1000 Genomes Project 30x 0.00250.
gnomAD v4.1: 2,903 of 1,614,098 alleles (0.18%); highest among the groups gnomAD compares: South Asian, 0.78%; 14 homozygotes.

Submissions (2):

CeGaT Center for Human Genetics Tuebingen
Classification: Likely benign. Last evaluated: 2025-11-01. Review status: criteria provided, single submitter. Criteria: CeGaT Center For Human Genetics Tuebingen Variant Classification Criteria Version 2. Collection method: clinical testing. Allele origin: germline. Affected: yes. Observed: 6 variant alleles.
Comment: PRORP: BP4, BS2

PreventionGenetics, part of Exact Sciences
Classification: Benign for PRORP-related condition. Last evaluated: 2019-11-26. Review status: no assertion criteria provided. Collection method: clinical testing. Allele origin: germline. Not counted in ClinVar's aggregate classification.
Comment: This variant is classified as benign based on ACMG/AMP sequence variant interpretation guidelines (Richards et al. 2015 PMID: 25741868, with internal and published modifications).

NM_014672.4(PRORP):c.686C>T (p.Ala229Val)

Genes: PRORP (protein only RNase P catalytic subunit; plus strand), PRORP-PSMA6 (PRORP-PSMA6 readthrough; plus strand). Cytogenetic location: 14q13.2.
Variant type: single nucleotide variant.
Coding change: c.686C>T on transcript NM_014672.4 (MANE Select); coding-DNA position 686, C replaced by T.
Protein change: p.Ala229Val; replaces alanine 229 with valine.
Molecular consequence: missense variant. On other transcripts: non-coding transcript variant (4), intron variant (2).
Genome position (GRCh38, 1-based): chr14:35,123,931, C>T. VCF-style: chr14-35123931-C-T. GRCh37 (hg19) VCF-style: chr14-35593137-C-T.
Other names: c.686C>T, p.Ala229Val (NM_001256678.2, NM_001414503.1); c.401C>T, p.Ala134Val (NM_001256679.2); c.-131+1021C>T (NM_001256680.2); c.-83+1021C>T (NM_001256681.2); short protein forms A134V, A229V.
Identifiers: ClinVar variation 3043006 (VCV003043006.22), dbSNP rs45626032, ClinGen allele CA7154741.